The following is an entry in ClinVar:

NM_002907.4(RECQL):c.1540A>C (p.Lys514Gln)

Gene: RECQL (RecQ like helicase; minus strand). Cytogenetic location: 12p12.1.
Variant type: single nucleotide variant.
Coding change: c.1540A>C on transcript NM_002907.4 (MANE Select); coding-DNA position 1540, A replaced by C.
Protein change: p.Lys514Gln; replaces lysine 514 with glutamine.
Molecular consequence: missense variant.
Genome position (GRCh38, 1-based): chr12:21,471,555, T>G on the plus strand (A>C on the coding strand, the complement: RECQL is on the minus strand). VCF-style: chr12-21471555-T-G. GRCh37 (hg19) VCF-style: chr12-21624489-T-G.
Other names: c.1540A>C, p.Lys514Gln (NM_032941.3); short protein forms K514Q.
Identifiers: ClinVar variation 844386 (VCV000844386.15), dbSNP rs550099360, ClinGen allele CA6478723.

ClinVar aggregate classification (germline): Uncertain significance. Review status: criteria provided, multiple submitters, no conflicts (2 of 4 stars). 3 submissions from 3 submitters: Uncertain significance (3). Last evaluated 2025-11-22.

Conditions:
RECON progeroid syndrome (RECON). Identifiers: MedGen C5830504, MONDO:0957266, OMIM 620370.

Allele frequency attached by ClinVar (database versions not stated): gnomAD exomes 0.00001; ExAC 0.00002; gnomAD 0.00002 and 0.00003; TOPMed 0.00003; 1000 Genomes Project 30x 0.00016; 1000 Genomes Project 0.00020.
gnomAD v4.1: 9 of 1,612,852 alleles (0.00056%); highest among the groups gnomAD compares: African/African-American, 0.008%; no homozygotes.

Submissions (3):

Labcorp Genetics (formerly Invitae), Labcorp
Classification: Uncertain significance. Last evaluated: 2025-11-22. Review status: criteria provided, single submitter. Criteria: Invitae Variant Classification Sherloc (09022015). Collection method: clinical testing. Allele origin: germline.
Comment: This sequence change replaces lysine, which is basic and polar, with glutamine, which is neutral and polar, at codon 514 of the RECQL protein (p.Lys514Gln). This variant is present in population databases (rs550099360, gnomAD 0.01%). This variant has not been reported in the literature in individuals affected with RECQL-related conditions. ClinVar contains an entry for this variant (Variation ID: 844386). Invitae Evidence Modeling of protein sequence and biophysical properties (such as structural, functional, and spatial information, amino acid conservation, physicochemical variation, residue mobility, and thermodynamic stability) indicates that this missense variant is not expected to disrupt RECQL protein function with a negative predictive value of 80%. In summary, the available evidence is currently insufficient to determine the role of this variant in disease. Therefore, it has been classified as a Variant of Uncertain Significance.

Ambry Genetics
Classification: Uncertain significance. Last evaluated: 2025-06-24. Review status: criteria provided, single submitter. Criteria: Ambry Variant Classification Scheme 2023. Collection method: clinical testing. Allele origin: germline.

Fulgent Genetics
Classification: Uncertain significance for RECON progeroid syndrome. Last evaluated: 2024-04-23. Review status: criteria provided, single submitter. Criteria: ACMG Guidelines, 2015. Collection method: clinical testing. Allele origin: germline.